The following is an entry in ClinVar:

NM_000052.7(ATP7A):c.4006-4T>C

Gene: ATP7A (ATPase copper transporting alpha; plus strand). Cytogenetic location: Xq21.1.
Variant type: single nucleotide variant.
Coding change: c.4006-4T>C on transcript NM_000052.7 (MANE Select); 4 bases into the intron before coding-DNA position 4006, T replaced by C.
Molecular consequence: intron variant.
Genome position (GRCh38, 1-based): chrX:78,043,313, T>C. VCF-style: chrX-78043313-T-C. GRCh37 (hg19) VCF-style: chrX-77298811-T-C.
Other names: c.3772-4T>C (NM_001282224.2).
Identifiers: ClinVar variation 2948596 (VCV002948596.4), dbSNP rs2522420841, ClinGen allele CA2579650487.

ClinVar aggregate classification (germline): Conflicting classifications of pathogenicity. Review status: criteria provided, conflicting classifications (1 of 4 stars). 2 submissions from 2 submitters: Uncertain significance (1); Likely benign (1). Last evaluated 2024-01-26.

Conditions:
Menkes kinky-hair syndrome (MNK). Also called: Copper transport disease; Menkes Disease; Classic Menkes Disease. Identifiers: Orphanet 565, MedGen C0022716, MONDO:0010651, OMIM 309400.
Cutis laxa, X-linked (OHS). Also called: EDS IX; Occipital horn syndrome. Identifiers: Orphanet 198, MedGen C0268353, MONDO:0010572, OMIM 304150.
X-linked distal spinal muscular atrophy type 3. Also called: ATP7A-Related Distal Motor Neuropathy; SPINAL MUSCULAR ATROPHY, DISTAL, X-LINKED RECESSIVE; NEURONOPATHY, DISTAL HEREDITARY MOTOR, X-LINKED; NEUROPATHY, DISTAL HEREDITARY MOTOR, X-LINKED. Identifiers: Orphanet 139557, MedGen C1845359, MONDO:0010338, OMIM 300489.

Submissions (2):

GeneDx
Classification: Uncertain significance. Last evaluated: 2024-01-26. Review status: criteria provided, single submitter. Criteria: GeneDx Variant Classification Process June 2021. Collection method: clinical testing. Allele origin: germline. Affected: yes.
Comment: Not observed at significant frequency in large population cohorts (gnomAD); In silico analysis supports that this variant does not alter splicing; Has not been previously published as pathogenic or benign to our knowledge

Labcorp Genetics (formerly Invitae), Labcorp
Classification: Likely benign for X-linked distal spinal muscular atrophy type 3; Cutis laxa, X-linked; Menkes kinky-hair syndrome. Last evaluated: 2023-11-20. Review status: criteria provided, single submitter. Criteria: Invitae Variant Classification Sherloc (09022015). Collection method: clinical testing. Allele origin: germline.